The following is an entry in ClinVar:

NM_005560.6(LAMA5):c.4409G>A (p.Arg1470His)

Gene: LAMA5 (laminin subunit alpha 5; minus strand). Cytogenetic location: 20q13.33.
Variant type: single nucleotide variant.
Coding change: c.4409G>A on transcript NM_005560.6 (MANE Select); coding-DNA position 4409, G replaced by A.
Protein change: p.Arg1470His; replaces arginine 1470 with histidine.
Molecular consequence: missense variant.
Genome position (GRCh38, 1-based): chr20:62,328,882, C>T on the plus strand (G>A on the coding strand, the complement: LAMA5 is on the minus strand). VCF-style: chr20-62328882-C-T. GRCh37 (hg19) VCF-style: chr20-60903938-C-T.
Other names: short protein forms R1470H.
Identifiers: ClinVar variation 3343951 (VCV003343951.1).

ClinVar aggregate classification (germline): Uncertain significance (1 of 4 stars; one submission).

gnomAD v4.1: 91 of 1,611,596 alleles (0.0056%); highest among the groups gnomAD compares: Non-Finnish European, 0.0067%; no homozygotes.

Submission:

GeneDx
Classification: Uncertain significance. Last evaluated: 2023-12-12. Review status: criteria provided, single submitter. Criteria: GeneDx Variant Classification Process June 2021. Collection method: clinical testing. Allele origin: germline. Affected: yes.
Comment: De novo variant with confirmed parentage in a patient with developmental disorder (PMID: 31785789); In silico analysis supports that this missense variant has a deleterious effect on protein structure/function; This variant is associated with the following publications: (PMID: 31785789)